The following is an entry in ClinVar:

ClinVar aggregate classification (germline): Uncertain significance. Review status: criteria provided, multiple submitters, no conflicts (2 of 4 stars). 5 submissions from 5 submitters: Uncertain significance (5). Last evaluated 2026-01-14.

Conditions:
Childhood neoplasm. Identifiers: MedGen C1368871, MONDO:0021079.
Hereditary cancer-predisposing syndrome. Also called: Neoplastic Syndromes, Hereditary; Tumor predisposition; Hereditary neoplastic syndrome; Hereditary Cancer Syndrome. Identifiers: Orphanet 140162, MedGen C0027672, MeSH D009386, MONDO:0015356.
Dilated cardiomyopathy 1GG (CMD1GG). Identifiers: Orphanet 154, MedGen C3150898, MONDO:0013339, OMIM 613642.
Neurodegeneration with ataxia and late-onset optic atrophy. Identifiers: MedGen C5543254, MONDO:0031006, OMIM 619259.
Mitochondrial complex II deficiency, nuclear type 1. Also called: SUCCINATE CoQ REDUCTASE DEFICIENCY. Identifiers: Orphanet 3208, MedGen C5700310, MONDO:0100294, OMIM 252011.
Pheochromocytoma/paraganglioma syndrome 5. Also called: Paragangliomas 5; SDHA-Related Hereditary Paraganglioma-Pheochromocytoma Syndrome. Identifiers: Orphanet 29072, MedGen C3279992, MONDO:0013602, OMIM 614165.

Allele frequency attached by ClinVar (database versions not stated): gnomAD exomes 0.00001; ExAC 0.00002; gnomAD 0.00003.
gnomAD v4.1: 14 of 1,613,736 alleles (0.00087%); highest among the groups gnomAD compares: Admixed American, 0.0033%; no homozygotes.

Submissions (5):

Labcorp Genetics (formerly Invitae), Labcorp
Classification: Uncertain significance for Pheochromocytoma/paraganglioma syndrome 5; Mitochondrial complex II deficiency, nuclear type 1. Last evaluated: 2026-01-14. Review status: criteria provided, single submitter. Criteria: Invitae Variant Classification Sherloc (09022015). Collection method: clinical testing. Allele origin: germline.
Comment: This sequence change replaces alanine, which is neutral and non-polar, with threonine, which is neutral and polar, at codon 442 of the SDHA protein (p.Ala442Thr). This variant is present in population databases (rs754893758, gnomAD 0.006%). This variant has not been reported in the literature in individuals affected with SDHA-related conditions. ClinVar contains an entry for this variant (Variation ID: 539668). Invitae Evidence Modeling of protein sequence and biophysical properties (such as structural, functional, and spatial information, amino acid conservation, physicochemical variation, residue mobility, and thermodynamic stability) has been performed for this missense variant. However, the output from this modeling did not meet the statistical confidence thresholds required to predict the impact of this variant on SDHA protein function. In summary, the available evidence is currently insufficient to determine the role of this variant in disease. Therefore, it has been classified as a Variant of Uncertain Significance.

Ambry Genetics
Classification: Uncertain significance for Hereditary cancer-predisposing syndrome. Last evaluated: 2025-09-17. Review status: criteria provided, single submitter. Criteria: Ambry Variant Classification Scheme 2023. Collection method: clinical testing. Allele origin: germline.
Comment: The p.A442T variant (also known as c.1324G>A), located in coding exon 10 of the SDHA gene, results from a G to A substitution at nucleotide position 1324. The alanine at codon 442 is replaced by threonine, an amino acid with similar properties. This amino acid position is well conserved in available vertebrate species. In addition, the in silico prediction for this alteration is inconclusive. Since supporting evidence is limited at this time, the clinical significance of this alteration remains unclear.

Fulgent Genetics
Classification: Uncertain significance for Mitochondrial complex II deficiency, nuclear type 1; Dilated cardiomyopathy 1GG; Pheochromocytoma/paraganglioma syndrome 5; Neurodegeneration with ataxia and late-onset optic atrophy. Last evaluated: 2024-06-18. Review status: criteria provided, single submitter. Criteria: ACMG Guidelines, 2015. Collection method: clinical testing. Allele origin: germline.

Baylor Genetics
Classification: Uncertain significance for Dilated cardiomyopathy 1GG. Last evaluated: 2024-01-26. Review status: criteria provided, single submitter. Criteria: ACMG Guidelines, 2015. Collection method: clinical testing. Allele origin: unknown.

Cambridge Genomics Laboratory, East Genomic Laboratory Hub, NHS Genomic Medicine Service
Classification: Uncertain significance for Childhood neoplasm. Last evaluated: 2020-04-21. Review status: criteria provided, single submitter. Criteria: ACGS Best Practice Guidelines for Variant Classification in Rare Disease 2020. Collection method: clinical testing. Allele origin: germline. Affected: yes. Observed: 1 variant allele.

NM_004168.4(SDHA):c.1324G>A (p.Ala442Thr)

Gene: SDHA (succinate dehydrogenase complex flavoprotein subunit A; plus strand). Cytogenetic location: 5p15.33.
Variant type: single nucleotide variant.
Coding change: c.1324G>A on transcript NM_004168.4 (MANE Select); coding-DNA position 1324, G replaced by A.
Protein change: p.Ala442Thr; replaces alanine 442 with threonine.
Molecular consequence: missense variant.
Genome position (GRCh38, 1-based): chr5:236,491, G>A. VCF-style: chr5-236491-G-A. GRCh37 (hg19) VCF-style: chr5-236606-G-A.
Other names: c.1180G>A, p.Ala394Thr (NM_001294332.2); c.1324G>A, p.Ala442Thr (NM_001330758.2); short protein forms A442T, A394T.
Identifiers: ClinVar variation 539668 (VCV000539668.17), dbSNP rs754893758, ClinGen allele CA3173194.